The following is an entry in ClinVar:

NM_207122.2(EXT2):c.893del (p.Lys298fs)

Gene: EXT2 (exostosin glycosyltransferase 2; plus strand). Cytogenetic location: 11p11.2.
Variant type: Deletion.
Coding change: c.893del on transcript NM_207122.2 (MANE Select); coding-DNA position 893, one base deleted (A; older notation c.893delA).
Protein change: p.Lys298fs; shifts the reading frame from lysine 298.
Molecular consequence: frameshift variant.
Genome position (GRCh38, 1-based): chr11:44,124,938, A deleted; the last of 2 consecutive A bases (chr11:44,124,937-44,124,938); deleting either gives the same sequence. VCF-style (leftmost placement, unchanged base first): chr11-44124936-TA-T. GRCh37 (hg19) VCF-style: chr11-44146486-TA-T.
Other names: c.992del, p.Lys331fs (NM_000401.3); c.893del, p.Lys298fs (NM_001178083.3, NM_001389628.1, NM_001389630.1); short protein forms K331fs, K298fs.
Identifiers: ClinVar variation 4709822 (VCV004709822.1).
Genomic context (GRCh38, chr11:44,124,936, plus strand): 5'-AGAGTCAGTGTTAGTACTCGATAAATGCACCAACCTCTCAGAGGGTGTCCTTTCTGTCCG[TA>T]AGCGCTGCCACAAGCACCAGGTCTTCGATTACCCACAGGTGCTACAGGTGAGTGTCATTC-3'

ClinVar aggregate classification (germline): Pathogenic (1 of 4 stars; one submission).

Conditions:
Exostoses, multiple, type 2 (EXT2). Also called: Hereditary Multiple Osteochondromatosis, Type II; EXOSTOSES, MULTIPLE, TYPE II. Identifiers: Orphanet 321, MedGen C1851413, MONDO:0007586, OMIM 133701.

Submission:

Labcorp Genetics (formerly Invitae), Labcorp
Classification: Pathogenic for Exostoses, multiple, type 2. Last evaluated: 2025-12-03. Review status: criteria provided, single submitter. Criteria: Invitae Variant Classification Sherloc (09022015). Collection method: clinical testing. Allele origin: germline.
Comment: This sequence change creates a premature translational stop signal (p.Lys298Serfs*34) in the EXT2 gene. It is expected to result in an absent or disrupted protein product. Loss-of-function variants in EXT2 are known to be pathogenic (PMID: 10679937, 19810120). This variant is not present in population databases (gnomAD no frequency). This premature translational stop signal has been observed in individual(s) with multiple osteochondromas (PMID: 19810120). Algorithms developed to predict the effect of sequence changes on RNA splicing suggest that this variant may create or strengthen a splice site. For these reasons, this variant has been classified as Pathogenic.

Literature cited by the submitters: PubMed 10679937; PubMed 19810120.